The following is an entry in ClinVar:

ClinVar aggregate classification (germline): Uncertain significance (1 of 4 stars; one submission).

Conditions:
Alagille syndrome due to a NOTCH2 point mutation. Also called: Alagille syndrome 2. Identifiers: Orphanet 261629, Orphanet 52, MedGen C1857761, MONDO:0012439, OMIM 610205.

gnomAD v4.1: 5 of 1,613,284 alleles (0.00031%); highest among the groups gnomAD compares: Admixed American, 0.0067%; no homozygotes.

Submission:

Dasa
Classification: Uncertain significance for Alagille syndrome due to a NOTCH2 point mutation. Last evaluated: 2025-12-20. Review status: criteria provided, single submitter. Criteria: DASA Assertion Criteria. Collection method: clinical testing. Allele origin: germline.
Comment: NM_024408.4(NOTCH2):c.247G>A (p.Ala83Thr) is a missense variant that results in the substitution of alanine with threonine. This variant is rare in population databases. Computational prediction algorithms are consistent with a benign effect. The currently available literature and clinical evidence are not sufficient to establish a definitive association between this variant and the reported condition. Therefore, this variant is classified as a variant of uncertain significance.

NM_024408.4(NOTCH2):c.247G>A (p.Ala83Thr)

Gene: NOTCH2 (notch receptor 2; minus strand). Cytogenetic location: 1p12.
Variant type: single nucleotide variant.
Coding change: c.247G>A on transcript NM_024408.4 (MANE Select); coding-DNA position 247, G replaced by A.
Protein change: p.Ala83Thr; replaces alanine 83 with threonine.
Molecular consequence: missense variant.
Genome position (GRCh38, 1-based): chr1:120,005,497, C>T on the plus strand (G>A on the coding strand, the complement: NOTCH2 is on the minus strand). VCF-style: chr1-120005497-C-T. GRCh37 (hg19) VCF-style: chr1-120548120-C-T.
Other names: c.247G>A, p.Ala83Thr (NM_001200001.2); short protein forms A83T.
Identifiers: ClinVar variation 4881820 (VCV004881820.2).